The following is an entry in ClinVar:

NM_001010898.4(SLC6A17):c.29G>A (p.Arg10His)

Genes: SLC6A17 (solute carrier family 6 member 17; plus strand), SLC6A17-AS1 (SLC6A17 antisense RNA 1; minus strand). Cytogenetic location: 1p13.3.
Variant type: single nucleotide variant.
Coding change: c.29G>A on transcript NM_001010898.4 (MANE Select); coding-DNA position 29, G replaced by A.
Protein change: p.Arg10His; replaces arginine 10 with histidine.
Molecular consequence: missense variant.
Genome position (GRCh38, 1-based): chr1:110,166,958, G>A. VCF-style: chr1-110166958-G-A. GRCh37 (hg19) VCF-style: chr1-110709580-G-A.
Other names: short protein forms R10H.
Identifiers: ClinVar variation 1034371 (VCV001034371.1), dbSNP rs146348475, ClinGen allele CA997804.
Genomic context (GRCh38, chr1:110,166,958, plus strand): 5'-GGGAGCAGGGCTACACGGCCCAGGTGGCATCAATGCCGAAGAACAGCAAAGTGACCCAGC[G>A]TGAGCACAGCAGTGAGCATGTCACTGAGTCCGTGGCCGACCTGCTGGCCCTCGAGGAGCC-3'
Protein context (NP_001010898.1, residues 1-20): MPKNSKVTQ[Arg10His]EHSSEHVTES

ClinVar aggregate classification (germline): Uncertain significance (1 of 4 stars; one submission).

Conditions:
Intellectual developmental disorder, autosomal recessive 48. Also called: Progressive essential tremor-speech impairment-facial dysmorphism-intellectual disability-abnormal behavior syndrome. Identifiers: Orphanet 457212, MedGen C4225395, MONDO:0014559, OMIM 616269.

Allele frequency attached by ClinVar (database versions not stated): ExAC 0.00001; gnomAD 0.00002 and 0.00001; TOPMed 0.00002; gnomAD exomes 0.00002; ESP Exome Variant Server 0.00008.
gnomAD v4.1: 35 of 1,612,982 alleles (0.0022%); highest among the groups gnomAD compares: Admixed American, 0.0067%; no homozygotes.

Submission:

Baylor Genetics
Classification: Uncertain significance for Intellectual developmental disorder, autosomal recessive 48. Last evaluated: 2018-11-30. Review status: criteria provided, single submitter. Criteria: ACMG Guidelines, 2015. Collection method: clinical testing. Allele origin: maternal. Affected: yes.
Comment: This variant was determined to be of uncertain significance according to ACMG Guidelines, 2015 [PMID:25741868].